The following is an entry in ClinVar:

ClinVar aggregate classification (germline): Uncertain significance (1 of 4 stars; one submission).

Submission:

Labcorp Genetics (formerly Invitae), Labcorp
Classification: Uncertain significance. Last evaluated: 2024-01-24. Review status: criteria provided, single submitter. Criteria: Invitae Variant Classification Sherloc (09022015). Collection method: clinical testing. Allele origin: germline.
Comment: This sequence change replaces aspartic acid, which is acidic and polar, with alanine, which is neutral and non-polar, at codon 752 of the SEMA4A protein (p.Asp752Ala). This variant is not present in population databases (gnomAD no frequency). This variant has not been reported in the literature in individuals affected with SEMA4A-related conditions. ClinVar contains an entry for this variant (Variation ID: 1388407). An algorithm developed to predict the effect of missense changes on protein structure and function (PolyPhen-2) suggests that this variant is likely to be disruptive. In summary, the available evidence is currently insufficient to determine the role of this variant in disease. Therefore, it has been classified as a Variant of Uncertain Significance.

NM_022367.4(SEMA4A):c.2255A>C (p.Asp752Ala)

Gene: SEMA4A (semaphorin 4A; plus strand). Cytogenetic location: 1q22.
Variant type: single nucleotide variant.
Coding change: c.2255A>C on transcript NM_022367.4 (MANE Select); coding-DNA position 2255, A replaced by C.
Protein change: p.Asp752Ala; replaces aspartic acid 752 with alanine.
Molecular consequence: missense variant.
Genome position (GRCh38, 1-based): chr1:156,176,966, A>C. VCF-style: chr1-156176966-A-C. GRCh37 (hg19) VCF-style: chr1-156146757-A-C.
Other names: c.2255A>C, p.Asp752Ala (NM_001193300.2, NM_001193301.2, NM_001370567.1); c.1859A>C, p.Asp620Ala (NM_001193302.2); c.1958A>C, p.Asp653Ala (NM_001370568.1); c.1748A>C, p.Asp583Ala (NM_001370569.1, NM_001370571.1); short protein forms D583A, D620A, D653A, D752A.
Identifiers: ClinVar variation 1388407 (VCV001388407.6), dbSNP rs755290411, ClinGen allele CA342814032.